The following is an entry in ClinVar:

ClinVar aggregate classification (germline): Uncertain significance (1 of 4 stars; one submission).

Allele frequency attached by ClinVar (database versions not stated): gnomAD exomes below 0.00001; gnomAD 0.00001; TOPMed 0.00002.
gnomAD v4.1: 7 of 1,613,648 alleles (0.00043%); highest among the groups gnomAD compares: African/African-American, 0.0027%; no homozygotes.

Submission:

Labcorp Genetics (formerly Invitae), Labcorp
Classification: Uncertain significance. Last evaluated: 2023-10-03. Review status: criteria provided, single submitter. Criteria: Invitae Variant Classification Sherloc (09022015). Collection method: clinical testing. Allele origin: germline.
Comment: This sequence change replaces leucine, which is neutral and non-polar, with proline, which is neutral and non-polar, at codon 453 of the COQ8A protein (p.Leu453Pro). This variant is not present in population databases (gnomAD no frequency). This variant has not been reported in the literature in individuals affected with COQ8A-related conditions. ClinVar contains an entry for this variant (Variation ID: 1450315). Advanced modeling of protein sequence and biophysical properties (such as structural, functional, and spatial information, amino acid conservation, physicochemical variation, residue mobility, and thermodynamic stability) has been performed at Invitae for this missense variant, however the output from this modeling did not meet the statistical confidence thresholds required to predict the impact of this variant on COQ8A protein function. In summary, the available evidence is currently insufficient to determine the role of this variant in disease. Therefore, it has been classified as a Variant of Uncertain Significance.

NM_020247.5(COQ8A):c.1358T>C (p.Leu453Pro)

Gene: COQ8A (coenzyme Q8A; plus strand). Cytogenetic location: 1q42.13.
Variant type: single nucleotide variant.
Coding change: c.1358T>C on transcript NM_020247.5 (MANE Select); coding-DNA position 1358, T replaced by C.
Protein change: p.Leu453Pro; replaces leucine 453 with proline.
Molecular consequence: missense variant.
Genome position (GRCh38, 1-based): chr1:226,984,195, T>C. VCF-style: chr1-226984195-T-C. GRCh37 (hg19) VCF-style: chr1-227171896-T-C.
Other names: short protein forms L453P.
Identifiers: ClinVar variation 1450315 (VCV001450315.4), dbSNP rs928509224, ClinGen allele CA38651984.